The following is an entry in ClinVar:

ClinVar aggregate classification (germline): Uncertain significance (1 of 4 stars; one submission).

gnomAD v4.1: 1 of 1,614,152 alleles (0.000062%); no homozygotes.

Submission:

Ambry Genetics
Classification: Uncertain significance. Last evaluated: 2025-02-19. Review status: criteria provided, single submitter. Criteria: Ambry Variant Classification Scheme 2023. Collection method: clinical testing. Allele origin: germline.
Comment: The p.A401T variant (also known as c.1201G>A), located in coding exon 8 of the ATRIP gene, results from a G to A substitution at nucleotide position 1201. The alanine at codon 401 is replaced by threonine, an amino acid with similar properties. This amino acid position is conserved. In addition, this alteration is predicted to be tolerated by in silico analysis. Based on the available evidence, the clinical significance of this variant remains unclear.

NM_130384.3(ATRIP):c.1201G>A (p.Ala401Thr)

Genes: ATRIP (ATR interacting protein; plus strand), ATRIP-TREX1 (ATRIP-TREX1 readthrough; plus strand). Cytogenetic location: 3p21.31.
Variant type: single nucleotide variant.
Coding change: c.1201G>A on transcript NM_130384.3 (MANE Select); coding-DNA position 1201, G replaced by A.
Protein change: p.Ala401Thr; replaces alanine 401 with threonine.
Molecular consequence: missense variant. On other transcripts: non-coding transcript variant (1).
Genome position (GRCh38, 1-based): chr3:48,460,255, G>A. VCF-style: chr3-48460255-G-A. GRCh37 (hg19) VCF-style: chr3-48501654-G-A.
Other names: c.820G>A, p.Ala274Thr (NM_001271022.2); c.922G>A, p.Ala308Thr (NM_001271023.2); c.1201G>A, p.Ala401Thr (NM_032166.4); short protein forms A274T, A308T, A401T.
Identifiers: ClinVar variation 3810880 (VCV003810880.1).